The following is an entry in ClinVar:

ClinVar aggregate classification (germline): Pathogenic (1 of 4 stars; one submission).

Submission:

GeneDx
Classification: Pathogenic. Last evaluated: 2016-07-07. Review status: criteria provided, single submitter. Criteria: GeneDx Variant Classification (06012015). Collection method: clinical testing. Allele origin: germline. Affected: yes.
Comment: The E769X variant in the CDKL5 gene has not been reported previously as a pathogenic variant nor as a benign variant, to our knowledge. This variant is predicted to cause loss of normal protein function either through protein truncation or nonsense-mediated mRNA decay. The E769X variant was not observed in approximately 6500 individuals of European and African American ancestry in the NHLBI Exome Sequencing Project, indicating it is not a common benign variant in these populations. Therefore, we interpret E769X as a pathogenic variant,

NM_001323289.2(CDKL5):c.2305G>T (p.Glu769Ter)

Gene: CDKL5 (cyclin dependent kinase like 5; plus strand). Cytogenetic location: Xp22.13.
Variant type: single nucleotide variant.
Coding change: c.2305G>T on transcript NM_001323289.2 (MANE Select); coding-DNA position 2305, G replaced by T.
Protein change: p.Glu769Ter; replaces glutamic acid 769 with a stop codon.
Molecular consequence: nonsense.
Genome position (GRCh38, 1-based): chrX:18,619,895, G>T. VCF-style: chrX-18619895-G-T. GRCh37 (hg19) VCF-style: chrX-18638015-G-T.
Other names: c.2305G>T, p.Glu769Ter (NM_001037343.2, NM_003159.3); short protein forms E769*.
Identifiers: ClinVar variation 280719 (VCV000280719.2), dbSNP rs886041872, ClinGen allele CA10603551.